The following is an entry in ClinVar:

NM_001792.5(CDH2):c.28A>G (p.Thr10Ala)

Gene: CDH2 (cadherin 2; minus strand). Cytogenetic location: 18q12.1.
Variant type: single nucleotide variant.
Coding change: c.28A>G on transcript NM_001792.5 (MANE Select); coding-DNA position 28, A replaced by G.
Protein change: p.Thr10Ala; replaces threonine 10 with alanine.
Molecular consequence: missense variant.
Genome position (GRCh38, 1-based): chr18:28,176,995, T>C on the plus strand (A>G on the coding strand, the complement: CDH2 is on the minus strand). VCF-style: chr18-28176995-T-C. GRCh37 (hg19) VCF-style: chr18-25756959-T-C.
Other names: c.28A>G (NM_001792.3); short protein forms T10A.
Identifiers: ClinVar variation 1389853 (VCV001389853.7), dbSNP rs879030779, ClinGen allele CA297936936.

ClinVar aggregate classification (germline): Uncertain significance. Review status: criteria provided, multiple submitters, no conflicts (2 of 4 stars). 2 submissions from 2 submitters: Uncertain significance (2). Last evaluated 2025-09-25.

Conditions:
Inborn genetic diseases. Identifiers: MedGen C0950123, MeSH D030342.

Allele frequency attached by ClinVar (database versions not stated): gnomAD exomes 0.00002.
gnomAD v4.1: 18 of 1,476,696 alleles (0.0012%); highest among the groups gnomAD compares: South Asian, 0.0038%; no homozygotes.

Submissions (2):

Labcorp Genetics (formerly Invitae), Labcorp
Classification: Uncertain significance. Last evaluated: 2025-09-25. Review status: criteria provided, single submitter. Criteria: Invitae Variant Classification Sherloc (09022015). Collection method: clinical testing. Allele origin: germline.
Comment: This sequence change replaces threonine, which is neutral and polar, with alanine, which is neutral and non-polar, at codon 10 of the CDH2 protein (p.Thr10Ala). This variant is present in population databases (no rsID available, gnomAD 0.005%). This variant has not been reported in the literature in individuals affected with CDH2-related conditions. ClinVar contains an entry for this variant (Variation ID: 1389853). An algorithm developed to predict the effect of missense changes on protein structure and function outputs the following: PolyPhen-2: "Benign". The alanine amino acid residue is found in multiple mammalian species, which suggests that this missense change does not adversely affect protein function. In summary, the available evidence is currently insufficient to determine the role of this variant in disease. Therefore, it has been classified as a Variant of Uncertain Significance.

Ambry Genetics
Classification: Uncertain significance for Inborn genetic diseases. Last evaluated: 2025-05-10. Review status: criteria provided, single submitter. Criteria: Ambry Variant Classification Scheme 2023. Collection method: clinical testing. Allele origin: germline.
Comment: The p.T10A variant (also known as c.28A>G), located in coding exon 1 of the CDH2 gene, results from an A to G substitution at nucleotide position 28. The threonine at codon 10 is replaced by alanine, an amino acid with similar properties. This amino acid position is conserved. In addition, this alteration is predicted to be tolerated by in silico analysis. Based on the available evidence, the clinical significance of this variant remains unclear.